The following is an entry in ClinVar:

ClinVar aggregate classification (germline): Uncertain significance (1 of 4 stars; one submission).

Conditions:
RYR1-related disorder. Also called: RYR1-related condition; RYR1-related disorders. Identifiers: MedGen CN239331.

Submission:

Labcorp Genetics (formerly Invitae), Labcorp
Classification: Uncertain significance for RYR1-related disorder. Last evaluated: 2025-04-29. Review status: criteria provided, single submitter. Criteria: Invitae Variant Classification Sherloc (09022015). Collection method: clinical testing. Allele origin: germline.
Comment: This sequence change falls in intron 1 of the RYR1 gene. It does not directly change the encoded amino acid sequence of the RYR1 protein. It affects a nucleotide within the consensus splice site. Information on the frequency of this variant in the gnomAD database is not available, as this variant may be reported differently in the database. This variant has not been reported in the literature in individuals affected with RYR1-related conditions. ClinVar contains an entry for this variant (Variation ID: 3711001). Variants that disrupt the consensus splice site are a relatively common cause of aberrant splicing (PMID: 17576681, 9536098). Experimental studies and prediction algorithms are not available or were not evaluated, and the effect of this variant on mRNA splicing is currently unknown. In summary, the available evidence is currently insufficient to determine the role of this variant in disease. Therefore, it has been classified as a Variant of Uncertain Significance.

Literature cited by the submitters: PubMed 17576681; PubMed 9536098.

NM_000540.3(RYR1):c.46-4_46-3delinsAT

Gene: RYR1 (ryanodine receptor 1; plus strand). Cytogenetic location: 19q13.2.
Variant type: Indel.
Coding change: c.46-4_46-3delinsAT on transcript NM_000540.3 (MANE Select); 4 bases into the intron before coding-DNA position 46 through 3 bases into the intron before coding-DNA position 46, GC replaced by AT.
Molecular consequence: intron variant.
Genome position (GRCh38, 1-based): chr19:38,440,741-38,440,742, GC replaced by AT. VCF-style: chr19-38440741-GC-AT. GRCh37 (hg19) VCF-style: chr19-38931381-GC-AT.
Other names: c.46-4_46-3delinsAT (NM_001042723.2).
Identifiers: ClinVar variation 3711001 (VCV003711001.2).